The following is an entry in ClinVar:

NM_000161.3(GCH1):c.295G>C (p.Ala99Pro)

Gene: GCH1 (GTP cyclohydrolase 1; minus strand). Cytogenetic location: 14q22.2.
Variant type: single nucleotide variant.
Coding change: c.295G>C on transcript NM_000161.3 (MANE Select); coding-DNA position 295, G replaced by C.
Protein change: p.Ala99Pro; replaces alanine 99 with proline.
Molecular consequence: missense variant.
Genome position (GRCh38, 1-based): chr14:54,902,369, C>G on the plus strand (G>C on the coding strand, the complement: GCH1 is on the minus strand). VCF-style: chr14-54902369-C-G. GRCh37 (hg19) VCF-style: chr14-55369087-C-G.
Other names: c.295G>C, p.Ala99Pro (NM_001024024.2, NM_001024070.2, NM_001024071.2); short protein forms A99P.
Identifiers: ClinVar variation 1677659 (VCV001677659.4), dbSNP rs1566687219, ClinGen allele CA389793635.
Genomic context (GRCh38, chr14:54,902,369, plus strand): 5'-GGGCGCACTGACCTGAGATGGTCTCCTGGTAGCCCTTGGTGAAGAACTGCATGGCCGAGG[C>G]CGCCCTCCAGGGCGTCTTGAGCAGCCCTTGCCGCTGGGGGTTCTCGCCCAGCGAGCTCAG-3'
Protein context (NP_000152.1, residues 89-109): QGLLKTPWRA[Ala99Pro]SAMQFFTKGY

ClinVar aggregate classification (germline): Uncertain significance. Review status: criteria provided, multiple submitters, no conflicts (2 of 4 stars). 2 submissions from 2 submitters: Uncertain significance (2). Last evaluated 2022-11-22.

Conditions:
Dystonia 5 (DRD). Also called: Dystonia, DOPA-responsive, with or without hyperphenylalaninemia; DYT-GCH1; DYSTONIA, PROGRESSIVE, WITH DIURNAL VARIATION; DYSTONIA-PARKINSONISM WITH DIURNAL FLUCTUATION; GTP Cyclohydrolase 1-Deficient Dopa-Responsive Dystonia. Identifiers: Orphanet 98808, MedGen C1851920, MONDO:0007495, OMIM 128230.
GTP cyclohydrolase I deficiency. Identifiers: MedGen C0268467, MONDO:0100184.

Submissions (2):

Labcorp Genetics (formerly Invitae), Labcorp
Classification: Uncertain significance for GTP cyclohydrolase I deficiency; Dystonia 5. Last evaluated: 2022-11-22. Review status: criteria provided, single submitter. Criteria: Invitae Variant Classification Sherloc (09022015). Collection method: clinical testing. Allele origin: germline.
Comment: In summary, the available evidence is currently insufficient to determine the role of this variant in disease. Therefore, it has been classified as a Variant of Uncertain Significance. This variant disrupts the p.Ala99 amino acid residue in GCH1. Other variant(s) that disrupt this residue have been observed in individuals with GCH1-related conditions (PMID: 25497597), which suggests that this may be a clinically significant amino acid residue. Advanced modeling of protein sequence and biophysical properties (such as structural, functional, and spatial information, amino acid conservation, physicochemical variation, residue mobility, and thermodynamic stability) performed at Invitae indicates that this missense variant is expected to disrupt GCH1 protein function. ClinVar contains an entry for this variant (Variation ID: 1677659). This missense change has been observed in individuals with dystonia and related disorders (PMID: 19491146; Invitae). This variant is not present in population databases (gnomAD no frequency). This sequence change replaces alanine, which is neutral and non-polar, with proline, which is neutral and non-polar, at codon 99 of the GCH1 protein (p.Ala99Pro).

AiLife Diagnostics
Classification: Uncertain significance. Last evaluated: 2021-11-22. Review status: criteria provided, single submitter. Criteria: ACMG Guidelines, 2015. Collection method: clinical testing. Allele origin: germline. Affected: yes. Observed: 1 variant allele.

Literature cited by the submitters: PubMed 25497597 (cited by Labcorp Genetics (formerly Invitae), Labcorp); PubMed 19491146 (cited by Labcorp Genetics (formerly Invitae), Labcorp and AiLife Diagnostics).